The following is an entry in ClinVar:

NM_001330260.2(SCN8A):c.3645+19T>G

Gene: SCN8A (sodium voltage-gated channel alpha subunit 8; plus strand). Cytogenetic location: 12q13.13.
Variant type: single nucleotide variant.
Coding change: c.3645+19T>G on transcript NM_001330260.2 (MANE Select); 19 bases into the intron after coding-DNA position 3645, T replaced by G.
Molecular consequence: intron variant.
Genome position (GRCh38, 1-based): chr12:51,770,702, T>G. VCF-style: chr12-51770702-T-G. GRCh37 (hg19) VCF-style: chr12-52164486-T-G.
Other names: c.3645+19T>G (NM_014191.4, NM_001177984.3, NM_001369788.1).
Identifiers: ClinVar variation 384428 (VCV000384428.7), dbSNP rs1057521948, ClinGen allele CA16606575.

ClinVar aggregate classification (germline): Likely benign. Review status: criteria provided, multiple submitters, no conflicts (2 of 4 stars). 2 submissions from 2 submitters: Likely benign (2). Last evaluated 2022-07-06.

Conditions:
Early-infantile DEE. Also called: Early infantile epileptic encephalopathy with suppression bursts; Early infantile epileptic encephalopathy; Ohtahara syndrome. Identifiers: Orphanet 1934, MedGen C0393706, MONDO:0800491.

Allele frequency attached by ClinVar (database versions not stated): TOPMed below 0.00001; gnomAD 0.00001.
gnomAD v4.1: 1 of 1,608,932 alleles (0.000062%); highest among the groups gnomAD compares: African/African-American, 0.0013%; no homozygotes.

Submissions (2):

Labcorp Genetics (formerly Invitae), Labcorp
Classification: Likely benign for Early-infantile DEE. Last evaluated: 2022-07-06. Review status: criteria provided, single submitter. Criteria: Invitae Variant Classification Sherloc (09022015). Collection method: clinical testing. Allele origin: germline.

GeneDx
Classification: Likely benign. Last evaluated: 2017-03-02. Review status: criteria provided, single submitter. Criteria: GeneDx Variant Classification (06012015). Collection method: clinical testing. Allele origin: germline. Affected: yes.
Comment: This variant is considered likely benign or benign based on one or more of the following criteria: it is a conservative change, it occurs at a poorly conserved position in the protein, it is predicted to be benign by multiple in silico algorithms, and/or has population frequency not consistent with disease.